The following is an entry in ClinVar:

ClinVar aggregate classification (germline): Conflicting classifications of pathogenicity. Review status: criteria provided, conflicting classifications (1 of 4 stars). 3 submissions from 3 submitters: Uncertain significance (1); Likely benign (1). 1 of the submissions does not count toward it. Last evaluated 2024-09-05.

Conditions:
POLQ-related disorder. Also called: POLQ-related condition.

Allele frequency attached by ClinVar (database versions not stated): gnomAD exomes 0.00031; ExAC 0.00101; gnomAD 0.00334; 1000 Genomes Project 0.00379; TOPMed 0.00383; 1000 Genomes Project 30x 0.00437; ESP Exome Variant Server 0.00454.
gnomAD v4.1: 980 of 1,613,288 alleles (0.061%); highest among the groups gnomAD compares: African/African-American, 1.2%; 7 homozygotes.

Submissions (3):

Ambry Genetics
Classification: Uncertain significance. Last evaluated: 2024-09-05. Review status: criteria provided, single submitter. Criteria: Ambry Variant Classification Scheme 2023. Collection method: clinical testing. Allele origin: germline.
Comment: The p.N1130Y variant (also known as c.3388A>T), located in coding exon 16 of the POLQ gene, results from an A to T substitution at nucleotide position 3388. The asparagine at codon 1130 is replaced by tyrosine, an amino acid with dissimilar properties. This amino acid position is conserved. In addition, this alteration is predicted to be tolerated by in silico analysis. Since supporting evidence is limited at this time, the clinical significance of this alteration remains unclear.

Department of Pathology and Laboratory Medicine, Sinai Health System
Classification: Likely benign for POLQ-related disorder. Last evaluated: 2021-07-30. Review status: criteria provided, single submitter. Criteria: ACMG Guidelines, 2015. Collection method: research. Allele origin: germline.

PreventionGenetics, part of Exact Sciences
Classification: Benign for POLQ-related condition. Last evaluated: 2019-03-23. Review status: no assertion criteria provided. Collection method: clinical testing. Allele origin: germline. Not counted in ClinVar's aggregate classification.
Comment: This variant is classified as benign based on ACMG/AMP sequence variant interpretation guidelines (Richards et al. 2015 PMID: 25741868, with internal and published modifications).

NM_199420.4(POLQ):c.3388A>T (p.Asn1130Tyr)

Gene: POLQ (DNA polymerase theta; minus strand). Cytogenetic location: 3q13.33.
Variant type: single nucleotide variant.
Coding change: c.3388A>T on transcript NM_199420.4 (MANE Select); coding-DNA position 3388, A replaced by T.
Protein change: p.Asn1130Tyr; replaces asparagine 1130 with tyrosine.
Molecular consequence: missense variant.
Genome position (GRCh38, 1-based): chr3:121,489,543, T>A on the plus strand (A>T on the coding strand, the complement: POLQ is on the minus strand). VCF-style: chr3-121489543-T-A. GRCh37 (hg19) VCF-style: chr3-121208390-T-A.
Other names: short protein forms N1130Y.
Identifiers: ClinVar variation 1730866 (VCV001730866.6), dbSNP rs77744524, ClinGen allele CA2563062.